The following is an entry in ClinVar:

NM_001042492.3(NF1):c.4284T>A (p.Asp1428Glu)

Gene: NF1 (neurofibromin 1; plus strand). Cytogenetic location: 17q11.2.
Variant type: single nucleotide variant.
Coding change: c.4284T>A on transcript NM_001042492.3 (MANE Select); coding-DNA position 4284, T replaced by A.
Protein change: p.Asp1428Glu; replaces aspartic acid 1428 with glutamic acid.
Molecular consequence: missense variant.
Genome position (GRCh38, 1-based): chr17:31,258,454, T>A. VCF-style: chr17-31258454-T-A. GRCh37 (hg19) VCF-style: chr17-29585472-T-A.
Other names: c.4221T>A, p.Asp1407Glu (NM_000267.4); short protein forms D1428E, D1407E.
Identifiers: ClinVar variation 2119982 (VCV002119982.4), dbSNP rs1555618550, ClinGen allele CA398998011.

ClinVar aggregate classification (germline): Uncertain significance (1 of 4 stars; one submission).

Conditions:
Neurofibromatosis, type 1 (NF1). Also called: NEUROFIBROMATOSIS, TYPE I, SOMATIC; Neurofibromatosis, type I; Peripheral type neurofibromatosis; VON RECKLINGHAUSEN DISEASE. Identifiers: Orphanet 636, MedGen C0027831, MONDO:0018975, OMIM 162200. Disease mechanism: loss of function.

Submission:

Labcorp Genetics (formerly Invitae), Labcorp
Classification: Uncertain significance for Neurofibromatosis, type 1. Last evaluated: 2023-06-23. Review status: criteria provided, single submitter. Criteria: Invitae Variant Classification Sherloc (09022015). Collection method: clinical testing. Allele origin: germline.
Comment: In summary, the available evidence is currently insufficient to determine the role of this variant in disease. Therefore, it has been classified as a Variant of Uncertain Significance. Advanced modeling of protein sequence and biophysical properties (such as structural, functional, and spatial information, amino acid conservation, physicochemical variation, residue mobility, and thermodynamic stability) performed at Invitae indicates that this missense variant is not expected to disrupt NF1 protein function. ClinVar contains an entry for this variant (Variation ID: 2119982). This variant has not been reported in the literature in individuals affected with NF1-related conditions. This variant is not present in population databases (gnomAD no frequency). This sequence change replaces aspartic acid, which is acidic and polar, with glutamic acid, which is acidic and polar, at codon 1407 of the NF1 protein (p.Asp1407Glu).